The following is an entry in ClinVar:

ClinVar aggregate classification (germline): Uncertain significance. Review status: criteria provided, multiple submitters, no conflicts (2 of 4 stars). 3 submissions from 3 submitters: Uncertain significance (2). 1 of the submissions does not count toward it. Last evaluated 2025-08-30.

Conditions:
Rubinstein-Taybi syndrome (RSTS). Identifiers: Orphanet 783, MedGen C0035934, MONDO:0019188.
CREBBP-related disorder. Also called: CREBBP-related condition; CREBBP-related disorders.
Inborn genetic diseases. Identifiers: MedGen C0950123, MeSH D030342.

Submissions (3):

Ambry Genetics
Classification: Uncertain significance for Inborn genetic diseases. Last evaluated: 2025-08-30. Review status: criteria provided, single submitter. Criteria: Ambry Variant Classification Scheme 2023. Collection method: clinical testing. Allele origin: germline.

Labcorp Genetics (formerly Invitae), Labcorp
Classification: Uncertain significance for Rubinstein-Taybi syndrome. Last evaluated: 2025-03-13. Review status: criteria provided, single submitter. Criteria: Invitae Variant Classification Sherloc (09022015). Collection method: clinical testing. Allele origin: germline.
Comment: This sequence change replaces serine, which is neutral and polar, with asparagine, which is neutral and polar, at codon 1599 of the CREBBP protein (p.Ser1599Asn). This variant is not present in population databases (gnomAD no frequency). This variant has not been reported in the literature in individuals affected with CREBBP-related conditions. ClinVar contains an entry for this variant (Variation ID: 3344030). Invitae Evidence Modeling of protein sequence and biophysical properties (such as structural, functional, and spatial information, amino acid conservation, physicochemical variation, residue mobility, and thermodynamic stability) indicates that this missense variant is not expected to disrupt CREBBP protein function with a negative predictive value of 95%. In summary, the available evidence is currently insufficient to determine the role of this variant in disease. Therefore, it has been classified as a Variant of Uncertain Significance.

PreventionGenetics, part of Exact Sciences
Classification: Uncertain significance for CREBBP-related condition. Last evaluated: 2024-07-03. Review status: no assertion criteria provided. Collection method: clinical testing. Allele origin: germline. Not counted in ClinVar's aggregate classification.
Comment: The CREBBP c.4796G>A variant is predicted to result in the amino acid substitution p.Ser1599Asn. To our knowledge, this variant has not been reported in the literature or in a large population database, indicating this variant is rare. At this time, the clinical significance of this variant is uncertain due to the absence of conclusive functional and genetic evidence.

NM_004380.3(CREBBP):c.4796G>A (p.Ser1599Asn)

Gene: CREBBP (CREB binding lysine acetyltransferase; minus strand). Cytogenetic location: 16p13.3.
Variant type: single nucleotide variant.
Coding change: c.4796G>A on transcript NM_004380.3 (MANE Select); coding-DNA position 4796, G replaced by A.
Protein change: p.Ser1599Asn; replaces serine 1599 with asparagine.
Molecular consequence: missense variant.
Genome position (GRCh38, 1-based): chr16:3,731,870, C>T on the plus strand (G>A on the coding strand, the complement: CREBBP is on the minus strand). VCF-style: chr16-3731870-C-T. GRCh37 (hg19) VCF-style: chr16-3781871-C-T.
Other names: c.4682G>A, p.Ser1561Asn (NM_001079846.1); short protein forms S1561N, S1599N.
Identifiers: ClinVar variation 3344030 (VCV003344030.3).